The following is an entry in ClinVar:

NM_004006.3(DMD):c.6928C>A (p.Pro2310Thr)

Gene: DMD (dystrophin; minus strand). Cytogenetic location: Xp21.1.
Variant type: single nucleotide variant.
Coding change: c.6928C>A on transcript NM_004006.3 (MANE Select); coding-DNA position 6928, C replaced by A.
Protein change: p.Pro2310Thr; replaces proline 2310 with threonine.
Molecular consequence: missense variant. On other transcripts: 5 prime UTR variant (5).
Genome position (GRCh38, 1-based): chrX:31,875,358, G>T on the plus strand (C>A on the coding strand, the complement: DMD is on the minus strand). VCF-style: chrX-31875358-G-T. GRCh37 (hg19) VCF-style: chrX-31893475-G-T.
Other names: c.6904C>A, p.Pro2302Thr (NM_000109.4); c.6916C>A, p.Pro2306Thr (NM_004009.3); c.6559C>A, p.Pro2187Thr (NM_004010.3); c.2905C>A, p.Pro969Thr (NM_004011.4); c.2896C>A, p.Pro966Thr (NM_004012.4); c.-453C>A (NM_004013.3, NM_004020.4, NM_004021.3 and 2 more transcripts); short protein forms P2310T, P969T, P966T, P2187T, P2302T, P2306T.
Identifiers: ClinVar variation 2904048 (VCV002904048.3), dbSNP rs1338600297, ClinGen allele CA412660244.

ClinVar aggregate classification (germline): Uncertain significance (1 of 4 stars; one submission).

Conditions:
Duchenne muscular dystrophy (DMD). Also called: MUSCULAR DYSTROPHY, PSEUDOHYPERTROPHIC PROGRESSIVE, DUCHENNE TYPE; Duchenne Muscular Dystrophy (DMD). Identifiers: Orphanet 98896, MedGen C0013264, MONDO:0010679, OMIM 310200.

Allele frequency attached by ClinVar (database versions not stated): gnomAD exomes below 0.00001.
gnomAD v4.1: 2 of 1,190,943 alleles (0.00017%); highest among the groups gnomAD compares: African/African-American, 0.0035%; no homozygotes.

Submission:

Labcorp Genetics (formerly Invitae), Labcorp
Classification: Uncertain significance for Duchenne muscular dystrophy. Last evaluated: 2025-11-17. Review status: criteria provided, single submitter. Criteria: Invitae Variant Classification Sherloc (09022015). Collection method: clinical testing. Allele origin: germline.
Comment: This sequence change replaces proline, which is neutral and non-polar, with threonine, which is neutral and polar, at codon 2310 of the DMD protein (p.Pro2310Thr). The frequency data for this variant in the population databases is considered unreliable, as metrics indicate poor data quality at this position in the gnomAD database. This variant has not been reported in the literature in individuals affected with DMD-related conditions. ClinVar contains an entry for this variant (Variation ID: 2904048). Invitae Evidence Modeling of protein sequence and biophysical properties (such as structural, functional, and spatial information, amino acid conservation, physicochemical variation, residue mobility, and thermodynamic stability) indicates that this missense variant is not expected to disrupt DMD protein function with a negative predictive value of 95%. In summary, the available evidence is currently insufficient to determine the role of this variant in disease. Therefore, it has been classified as a Variant of Uncertain Significance.